The following is an entry in ClinVar:

ClinVar aggregate classification (germline): Uncertain significance (1 of 4 stars; one submission).

Conditions:
HNF1B-related disorder. Also called: HNF1B-related condition; HNF1B-related disorders.

gnomAD v4.1: 4 of 1,614,206 alleles (0.00025%); highest among the groups gnomAD compares: Non-Finnish European, 0.00034%; no homozygotes.

Submission:

PreventionGenetics, part of Exact Sciences
Classification: Uncertain significance for HNF1B-related condition. Last evaluated: 2025-09-19. Review status: criteria provided, single submitter. Criteria: ACMG Guidelines, 2015. Collection method: clinical testing. Allele origin: germline.
Comment: The HNF1B c.647C>T variant is predicted to result in the amino acid substitution p.Pro216Leu. To our knowledge, this variant has not been reported in the literature or in a large population database (gnomAD), indicating this variant is rare. At this time, the clinical significance of this variant is uncertain due to the absence of conclusive functional and genetic evidence.

NM_000458.4(HNF1B):c.647C>T (p.Pro216Leu)

Genes: HNF1B (HNF1 homeobox B; minus strand), LOC126862549 (BRD4-independent group 4 enhancer GRCh37_chr17:36093401-36094600; plus strand). Cytogenetic location: 17q12.
Variant type: single nucleotide variant.
Coding change: c.647C>T on transcript NM_000458.4 (MANE Select); coding-DNA position 647, C replaced by T.
Protein change: p.Pro216Leu; replaces proline 216 with leucine.
Molecular consequence: missense variant.
Genome position (GRCh38, 1-based): chr17:37,733,719, G>A on the plus strand (C>T on the coding strand, the complement: HNF1B is on the minus strand). VCF-style: chr17-37733719-G-A. GRCh37 (hg19) VCF-style: chr17-36093712-G-A.
Other names: c.569C>T, p.Pro190Leu (NM_001165923.4, NM_001304286.2); c.647C>T, p.Pro216Leu (NM_001411100.1); short protein forms P190L, P216L.
Identifiers: ClinVar variation 4982565 (VCV004982565.1).